The following is an entry in ClinVar:

NM_133379.5(TTN):c.14258G>T (p.Cys4753Phe)

Genes: TTN (titin; minus strand), LOC126806432 (CDK7 strongly-dependent group 2 enhancer GRCh37_chr2:179611985-179613184; plus strand). Cytogenetic location: 2q31.2.
Variant type: single nucleotide variant.
Coding change: c.14258G>T on transcript NM_133379.5 (MANE Plus Clinical); coding-DNA position 14258, G replaced by T.
Protein change: p.Cys4753Phe; replaces cysteine 4753 with phenylalanine.
Molecular consequence: missense variant. On other transcripts: intron variant (6).
Genome position (GRCh38, 1-based): chr2:178,748,142, C>A on the plus strand (G>T on the coding strand, the complement: TTN is on the minus strand). VCF-style: chr2-178748142-C-A. GRCh37 (hg19) VCF-style: chr2-179612869-C-A.
Other names: c.10222+4982G>T (NM_003319.4); c.10798+4982G>T (NM_133437.4); c.10597+4982G>T (NM_133432.3); c.10360+4982G>T (NM_133378.4, NM_001256850.1); c.11311+4982G>T (NM_001267550.2); short protein forms C4753F.
Identifiers: ClinVar variation 47770 (VCV000047770.5), dbSNP rs397517812, ClinGen allele CA141859.

ClinVar aggregate classification (germline): Uncertain significance (1 of 4 stars; one submission).

Submission:

Laboratory for Molecular Medicine, Mass General Brigham Personalized Medicine
Classification: Uncertain significance. Last evaluated: 2012-12-21. Review status: criteria provided, single submitter. Criteria: LMM Criteria. Collection method: clinical testing. Allele origin: germline. Observed: 1 variant allele.
Comment: The Cys4753Phe variant in TTN has not been reported in the literature nor previo usly identified by our laboratory. This variant has not been identified in large and broad European American and African American populations by the NHLBI Exome Sequencing Project, though it may be common in other populations. Computational analyses are limited or unavailable for this variant. At this time, additional information is needed to fully assess the cli nical significance of this variant.